The following is an entry in ClinVar:

NM_001291303.3(FAT4):c.4702A>G (p.Ile1568Val)

Gene: FAT4 (FAT atypical cadherin 4; plus strand). Cytogenetic location: 4q28.1.
Variant type: single nucleotide variant.
Coding change: c.4702A>G on transcript NM_001291303.3 (MANE Select); coding-DNA position 4702, A replaced by G.
Protein change: p.Ile1568Val; replaces isoleucine 1568 with valine.
Molecular consequence: missense variant.
Genome position (GRCh38, 1-based): chr4:125,321,113, A>G. VCF-style: chr4-125321113-A-G. GRCh37 (hg19) VCF-style: chr4-126242268-A-G.
Other names: c.4702A>G, p.Ile1568Val (NM_001291285.3, NM_024582.6); c.4702A>G (NM_024582.5); short protein forms I1568V.
Identifiers: ClinVar variation 2193269 (VCV002193269.2), dbSNP rs760673911, ClinGen allele CA3072502.
Genomic context (GRCh38, chr4:125,321,113, plus strand): 5'-ACAACAATTATGGCTGCTGACCCAGATGAAGGTGCTAATGGAGAAATAGAGTATGAGATC[A>G]TCAATGGGGACACAGACACCTTCATTGTTGATCGTTATAGTGGAGACCTGAGAGTGGCTT-3'
Protein context (NP_001278232.1, residues 1558-1578): GANGEIEYEI[Ile1568Val]NGDTDTFIVD

ClinVar aggregate classification (germline): Uncertain significance. Review status: criteria provided, multiple submitters, no conflicts (2 of 4 stars). 2 submissions from 2 submitters: Uncertain significance (2). Last evaluated 2024-05-10.

Conditions:
Hennekam lymphangiectasia-lymphedema syndrome 2 (HKLLS2). Identifiers: Orphanet 2136, MedGen C4014939, MONDO:0014454, OMIM 616006.
Van Maldergem syndrome 2 (VMLDS2). Identifiers: Orphanet 314679, MedGen C3809875, MONDO:0014242, OMIM 615546.

Allele frequency attached by ClinVar (database versions not stated): gnomAD 0.00001; ExAC 0.00002; TOPMed 0.00003.
gnomAD v4.1: 14 of 1,614,088 alleles (0.00087%); highest among the groups gnomAD compares: Admixed American, 0.018%; no homozygotes.

Submissions (2):

Fulgent Genetics
Classification: Uncertain significance for Van Maldergem syndrome 2; Hennekam lymphangiectasia-lymphedema syndrome 2. Last evaluated: 2024-05-10. Review status: criteria provided, single submitter. Criteria: ACMG Guidelines, 2015. Collection method: clinical testing. Allele origin: germline.

Labcorp Genetics (formerly Invitae), Labcorp
Classification: Uncertain significance. Last evaluated: 2022-08-21. Review status: criteria provided, single submitter. Criteria: Invitae Variant Classification Sherloc (09022015). Collection method: clinical testing. Allele origin: germline.
Comment: This sequence change replaces isoleucine, which is neutral and non-polar, with valine, which is neutral and non-polar, at codon 1568 of the FAT4 protein (p.Ile1568Val). This variant is present in population databases (rs760673911, gnomAD 0.03%). This variant has not been reported in the literature in individuals affected with FAT4-related conditions. Advanced modeling of protein sequence and biophysical properties (such as structural, functional, and spatial information, amino acid conservation, physicochemical variation, residue mobility, and thermodynamic stability) performed at Invitae indicates that this missense variant is not expected to disrupt FAT4 protein function. In summary, the available evidence is currently insufficient to determine the role of this variant in disease. Therefore, it has been classified as a Variant of Uncertain Significance.